The following is an entry in ClinVar:

ClinVar aggregate classification (germline): Uncertain significance. Review status: criteria provided, multiple submitters, no conflicts (2 of 4 stars). 2 submissions from 2 submitters: Uncertain significance (2). Last evaluated 2023-01-26.

Conditions:
Inborn genetic diseases. Identifiers: MedGen C0950123, MeSH D030342.

Allele frequency attached by ClinVar (database versions not stated): gnomAD exomes below 0.00001; gnomAD 0.00001; TOPMed 0.00001.
gnomAD v4.1: 6 of 1,199,602 alleles (0.0005%); highest among the groups gnomAD compares: Non-Finnish European, 0.00067%; no homozygotes.

Submissions (2):

Ambry Genetics
Classification: Uncertain significance for Inborn genetic diseases. Last evaluated: 2023-01-26. Review status: criteria provided, single submitter. Criteria: Ambry Variant Classification Scheme 2023. Collection method: clinical testing. Allele origin: germline.

Labcorp Genetics (formerly Invitae), Labcorp
Classification: Uncertain significance. Last evaluated: 2022-12-20. Review status: criteria provided, single submitter. Criteria: Invitae Variant Classification Sherloc (09022015). Collection method: clinical testing. Allele origin: germline.
Comment: In summary, the available evidence is currently insufficient to determine the role of this variant in disease. Therefore, it has been classified as a Variant of Uncertain Significance. Algorithms developed to predict the effect of missense changes on protein structure and function are either unavailable or do not agree on the potential impact of this missense change (SIFT: "Tolerated"; PolyPhen-2: "Not Available"; Align-GVGD: "Class C0"). This variant has not been reported in the literature in individuals affected with DDX3X-related conditions. The frequency data for this variant in the population databases is considered unreliable, as metrics indicate poor data quality at this position in the gnomAD database. This sequence change replaces glycine, which is neutral and non-polar, with valine, which is neutral and non-polar, at codon 258 of the DDX3X protein (p.Gly258Val).

NM_001356.5(DDX3X):c.773G>T (p.Gly258Val)

Gene: DDX3X (DEAD-box helicase 3 X-linked; plus strand). Cytogenetic location: Xp11.4.
Variant type: single nucleotide variant.
Coding change: c.773G>T on transcript NM_001356.5 (MANE Select); coding-DNA position 773, G replaced by T.
Protein change: p.Gly258Val; replaces glycine 258 with valine.
Molecular consequence: missense variant. On other transcripts: non-coding transcript variant (1).
Genome position (GRCh38, 1-based): chrX:41,344,037, G>T. VCF-style: chrX-41344037-G-T. GRCh37 (hg19) VCF-style: chrX-41203290-G-T.
Other names: c.773G>T, p.Gly258Val (NM_001193416.3); c.725G>T, p.Gly242Val (NM_001193417.3); c.215G>T, p.Gly72Val (NM_001363819.1); short protein forms G258V, G242V, G72V.
Identifiers: ClinVar variation 2479351 (VCV002479351.5), dbSNP rs760617639, ClinGen allele CA10389487.